The following is an entry in ClinVar:

NC_000015.9:g.(?_44855319)_(44855519_?)del

Gene: SPG11 (SPG11 vesicle trafficking associated, spatacsin; minus strand). Cytogenetic location: 15q21.1.
Variant type: Deletion.
Identifiers: ClinVar variation 3243786 (VCV003243786.1).

ClinVar aggregate classification (germline): Pathogenic (1 of 4 stars; one submission).

Conditions:
Hereditary spastic paraplegia 11. Also called: Spastic paraplegia, mental retardation and thin corpus callosum; SPASTIC PARAPLEGIA, AUTOSOMAL RECESSIVE, COMPLICATED, WITH THIN CORPUS CALLOSUM; SPASTIC PARAPLEGIA, AUTOSOMAL RECESSIVE, WITH MENTAL IMPAIRMENT AND THIN CORPUS CALLOSUM; Spastic Paraplegia 11; Nakamura Osame syndrome; Autosomal recessive hereditary spastic paraplegia, mental impairment, and thin corpus callosum. Identifiers: Orphanet 2822, MedGen C1858479, MONDO:0011445, OMIM 604360.

Submission:

Labcorp Genetics (formerly Invitae), Labcorp
Classification: Pathogenic for Hereditary spastic paraplegia 11. Last evaluated: 2023-12-14. Review status: criteria provided, single submitter. Criteria: Invitae Variant Classification Sherloc (09022015). Collection method: clinical testing. Allele origin: unknown.
Comment: This variant is a gross deletion of the genomic region encompassing exon(s) 40 of the SPG11 gene, which includes the termination codon. This deletion extends beyond the assayed region for this gene and therefore may encompass additional genes. While this deletion is not anticipated to lead to nonsense mediated decay, it is expected to alter mRNA translation or result in a truncated protein product. This variant has not been reported in the literature in individuals affected with SPG11-related conditions. This variant disrupts a region of the SPG11 protein in which other variant(s) (p.His2388Thrfs*6) have been determined to be pathogenic (PMID: 33624863; Invitae). This suggests that this is a clinically significant region of the protein, and that variants that disrupt it are likely to be disease-causing. For these reasons, this variant has been classified as Pathogenic.

Literature cited by the submitters: PubMed 33624863.